The following is an entry in ClinVar:

NM_002454.3(MTRR):c.432T>G (p.Ala144=)

Gene: MTRR (5-methyltetrahydrofolate-homocysteine methyltransferase reductase; plus strand). Cytogenetic location: 5p15.31.
Variant type: single nucleotide variant.
Coding change: c.432T>G on transcript NM_002454.3 (MANE Select); coding-DNA position 432, T replaced by G.
Protein change: p.Ala144=; no amino-acid change (alanine 144 retained).
Molecular consequence: synonymous variant. On other transcripts: non-coding transcript variant (14).
Genome position (GRCh38, 1-based): chr5:7,877,974, T>G. VCF-style: chr5-7877974-T-G. GRCh37 (hg19) VCF-style: chr5-7878087-T-G.
Other names: c.432T>G, p.Ala144= (NM_001364440.2, NM_001364441.2, NM_001364442.2 and 1 more transcripts).
Identifiers: ClinVar variation 748985 (VCV000748985.36), dbSNP rs116439533, ClinGen allele CA3195606.
Genomic context (GRCh38, chr5:7,877,974, plus strand): 5'-TTTTGTTTTTCGTTTGTTTTTACTGTCCAGTTTAGAACTTGTGGTTGAGCCGTGGATTGC[T>G]GGACTCTGGCCAGCCCTCAGAAAGCATTTTAGGTCAAGCAGAGGACAAGAGGAGATAAGT-3'
Protein context (NP_002445.2, residues 134-154): GLELVVEPWI[Ala144=]GLWPALRKHF

ClinVar aggregate classification (germline): Likely benign. Review status: criteria provided, multiple submitters, no conflicts (2 of 4 stars). 3 submissions from 3 submitters: Likely benign (3). Last evaluated 2025-07-09.

Conditions:
Methylcobalamin deficiency type cblE (HMAE). Also called: VITAMIN B12-RESPONSIVE HOMOCYSTINURIA, cblE TYPE; HOMOCYSTINURIA-MEGALOBLASTIC ANEMIA, cblE COMPLEMENTATION TYPE; HOMOCYSTINURIA-MEGALOBLASTIC ANEMIA, cblE TYPE. Identifiers: Orphanet 2169, Orphanet 622, MedGen C1856057, MONDO:0009354, OMIM 236270.

Allele frequency attached by ClinVar (database versions not stated): gnomAD 0.00001; TOPMed 0.00001; gnomAD exomes 0.00003; ExAC 0.00005; 1000 Genomes Project 30x 0.00016; 1000 Genomes Project 0.00020.
gnomAD v4.1: 20 of 1,613,608 alleles (0.0012%); highest among the groups gnomAD compares: Middle Eastern, 0.066%; no homozygotes.

Submissions (3):

Labcorp Genetics (formerly Invitae), Labcorp
Classification: Likely benign for Methylcobalamin deficiency type cblE. Last evaluated: 2025-07-09. Review status: criteria provided, single submitter. Criteria: Invitae Variant Classification Sherloc (09022015). Collection method: clinical testing. Allele origin: germline.

CeGaT Center for Human Genetics Tuebingen
Classification: Likely benign. Last evaluated: 2022-05-01. Review status: criteria provided, single submitter. Criteria: CeGaT Center For Human Genetics Tuebingen Variant Classification Criteria Version 2. Collection method: clinical testing. Allele origin: germline. Affected: yes. Observed: 1 variant allele.
Comment: MTRR: BP4, BP7

Breakthrough Genomics
Classification: Likely benign. Review status: criteria provided, single submitter. Criteria: ACMG Guidelines, 2015. Collection method: not provided. Allele origin: germline. Inheritance: Autosomal recessive inheritance. Affected: yes.